The following is an entry in ClinVar:

NM_015295.3(SMCHD1):c.1595A>G (p.Glu532Gly)

Gene: SMCHD1 (structural maintenance of chromosomes flexible hinge domain containing 1; plus strand). Cytogenetic location: 18p11.32.
Variant type: single nucleotide variant.
Coding change: c.1595A>G on transcript NM_015295.3 (MANE Select); coding-DNA position 1595, A replaced by G.
Protein change: p.Glu532Gly; replaces glutamic acid 532 with glycine.
Molecular consequence: missense variant.
Genome position (GRCh38, 1-based): chr18:2,700,866, A>G. VCF-style: chr18-2700866-A-G. GRCh37 (hg19) VCF-style: chr18-2700864-A-G.
Other names: short protein forms E532G.
Identifiers: ClinVar variation 2844593 (VCV002844593.3), dbSNP rs2510028011, ClinGen allele CA401700119.

ClinVar aggregate classification (germline): Uncertain significance (1 of 4 stars; one submission).

Conditions:
Facioscapulohumeral muscular dystrophy 2 (FSHD2). Also called: MUSCULAR DYSTROPHY, FACIOSCAPULOHUMERAL, TYPE 1B; FSHD2, DIGENIC; FACIOSCAPULOHUMERAL MUSCULAR DYSTROPHY 2, DIGENIC. Identifiers: Orphanet 269, MedGen C1834671, MONDO:0008031, OMIM 158901.

Submission:

Labcorp Genetics (formerly Invitae), Labcorp
Classification: Uncertain significance for Facioscapulohumeral muscular dystrophy 2. Last evaluated: 2023-03-09. Review status: criteria provided, single submitter. Criteria: Invitae Variant Classification Sherloc (09022015). Collection method: clinical testing. Allele origin: germline.
Comment: Advanced modeling of protein sequence and biophysical properties (such as structural, functional, and spatial information, amino acid conservation, physicochemical variation, residue mobility, and thermodynamic stability) performed at Invitae indicates that this missense variant is not expected to disrupt SMCHD1 protein function. This sequence change replaces glutamic acid, which is acidic and polar, with glycine, which is neutral and non-polar, at codon 532 of the SMCHD1 protein (p.Glu532Gly). This variant is not present in population databases (gnomAD no frequency). This variant has not been reported in the literature in individuals affected with SMCHD1-related conditions. In summary, the available evidence is currently insufficient to determine the role of this variant in disease. Therefore, it has been classified as a Variant of Uncertain Significance.